The following is an entry in ClinVar:

NM_139318.5(KCNH5):c.719C>G (p.Thr240Arg)

Gene: KCNH5 (potassium voltage-gated channel subfamily H member 5; minus strand). Cytogenetic location: 14q23.2.
Variant type: single nucleotide variant.
Coding change: c.719C>G on transcript NM_139318.5 (MANE Select); coding-DNA position 719, C replaced by G.
Protein change: p.Thr240Arg; replaces threonine 240 with arginine.
Molecular consequence: missense variant.
Genome position (GRCh38, 1-based): chr14:62,981,095, G>C on the plus strand (C>G on the coding strand, the complement: KCNH5 is on the minus strand). VCF-style: chr14-62981095-G-C. GRCh37 (hg19) VCF-style: chr14-63447813-G-C.
Other names: c.719C>G (NM_139318.3); c.719C>G, p.Thr240Arg (NM_172375.3); short protein forms T240R.
Identifiers: ClinVar variation 2379075 (VCV002379075.9), dbSNP rs769365273, ClinGen allele CA7217606.

ClinVar aggregate classification (germline): Uncertain significance. Review status: criteria provided, multiple submitters, no conflicts (2 of 4 stars). 2 submissions from 2 submitters: Uncertain significance (2). Last evaluated 2025-03-06.

Conditions:
Inborn genetic diseases. Identifiers: MedGen C0950123, MeSH D030342.
Early-infantile DEE. Also called: Early infantile epileptic encephalopathy with suppression bursts; Early infantile epileptic encephalopathy; Ohtahara syndrome. Identifiers: Orphanet 1934, MedGen C0393706, MONDO:0800491.

Allele frequency attached by ClinVar (database versions not stated): TOPMed below 0.00001; gnomAD 0.00001; gnomAD exomes 0.00001; ExAC 0.00002.
gnomAD v4.1: 9 of 1,614,044 alleles (0.00056%); highest among the groups gnomAD compares: Admixed American, 0.013%; no homozygotes.

Submissions (2):

Ambry Genetics
Classification: Uncertain significance for Inborn genetic diseases. Last evaluated: 2025-03-06. Review status: criteria provided, single submitter. Criteria: Ambry Variant Classification Scheme 2023. Collection method: clinical testing. Allele origin: germline.

Labcorp Genetics (formerly Invitae), Labcorp
Classification: Uncertain significance for Early-infantile DEE. Last evaluated: 2024-01-12. Review status: criteria provided, single submitter. Criteria: Invitae Variant Classification Sherloc (09022015). Collection method: clinical testing. Allele origin: germline.
Comment: This sequence change replaces threonine, which is neutral and polar, with arginine, which is basic and polar, at codon 240 of the KCNH5 protein (p.Thr240Arg). This variant is present in population databases (rs769365273, gnomAD 0.02%). This variant has not been reported in the literature in individuals affected with KCNH5-related conditions. ClinVar contains an entry for this variant (Variation ID: 2379075). Advanced modeling of protein sequence and biophysical properties (such as structural, functional, and spatial information, amino acid conservation, physicochemical variation, residue mobility, and thermodynamic stability) performed at Invitae indicates that this missense variant is not expected to disrupt KCNH5 protein function with a negative predictive value of 80%. In summary, the available evidence is currently insufficient to determine the role of this variant in disease. Therefore, it has been classified as a Variant of Uncertain Significance.